The following is an entry in ClinVar:

NM_021930.6(RINT1):c.757G>T (p.Gly253Cys)

Gene: RINT1 (RAD50 interactor 1; plus strand). Cytogenetic location: 7q22.3.
Variant type: single nucleotide variant.
Coding change: c.757G>T on transcript NM_021930.6 (MANE Select); coding-DNA position 757, G replaced by T.
Protein change: p.Gly253Cys; replaces glycine 253 with cysteine.
Molecular consequence: missense variant. On other transcripts: 5 prime UTR variant (2), non-coding transcript variant (1), intron variant (1).
Genome position (GRCh38, 1-based): chr7:105,547,251, G>T. VCF-style: chr7-105547251-G-T. GRCh37 (hg19) VCF-style: chr7-105187698-G-T.
Other names: c.523G>T, p.Gly175Cys (NM_001346599.2); c.-263G>T (NM_001346600.2); c.-166G>T (NM_001346601.2); c.-27-2804G>T (NM_001346603.2); short protein forms G175C, G253C.
Identifiers: ClinVar variation 2044468 (VCV002044468.4), dbSNP rs2485123985, ClinGen allele CA368806321.

ClinVar aggregate classification (germline): Uncertain significance (1 of 4 stars; one submission).

Submission:

Labcorp Genetics (formerly Invitae), Labcorp
Classification: Uncertain significance. Last evaluated: 2022-02-19. Review status: criteria provided, single submitter. Criteria: Invitae Variant Classification Sherloc (09022015). Collection method: clinical testing. Allele origin: germline.
Comment: Algorithms developed to predict the effect of missense changes on protein structure and function are either unavailable or do not agree on the potential impact of this missense change (SIFT: "Deleterious"; PolyPhen-2: "Benign"; Align-GVGD: "Class C0"). This sequence change replaces glycine, which is neutral and non-polar, with cysteine, which is neutral and slightly polar, at codon 253 of the RINT1 protein (p.Gly253Cys). This variant is not present in population databases (gnomAD no frequency). This variant has not been reported in the literature in individuals affected with RINT1-related conditions. In summary, the available evidence is currently insufficient to determine the role of this variant in disease. Therefore, it has been classified as a Variant of Uncertain Significance.